The following is an entry in ClinVar:

NM_000051.4(ATM):c.2896G>T (p.Val966Phe)

Gene: ATM (ATM serine/threonine kinase; plus strand). Cytogenetic location: 11q22.3.
Variant type: single nucleotide variant.
Coding change: c.2896G>T on transcript NM_000051.4 (MANE Select); coding-DNA position 2896, G replaced by T.
Protein change: p.Val966Phe; replaces valine 966 with phenylalanine.
Molecular consequence: missense variant.
Genome position (GRCh38, 1-based): chr11:108,271,121, G>T. VCF-style: chr11-108271121-G-T. GRCh37 (hg19) VCF-style: chr11-108141848-G-T.
Other names: c.2896G>T, p.Val966Phe (NM_001351834.2); short protein forms V966F.
Identifiers: ClinVar variation 1952847 (VCV001952847.5), dbSNP rs1060501598, ClinGen allele CA382546914.
Genomic context (GRCh38, chr11:108,271,121, plus strand): 5'-TAGTATCTAATGCTTTTAAAGGAGCTTCCTGGAGAAGAGTACCCCTTGCCAATGGAAGAT[G>T]TTCTTGAACTTCTGAAACCACTATCGTAAGAAATTAAAACCTTATGTTATGTTCACTTTA-3'
Protein context (NP_000042.3, residues 956-976): GEEYPLPMED[Val966Phe]LELLKPLSNV

ClinVar aggregate classification (germline): Uncertain significance (1 of 4 stars; one submission).

Conditions:
Ataxia-telangiectasia syndrome (AT). Also called: ATAXIA-TELANGIECTASIA, COMPLEMENTATION GROUP A; ATAXIA-TELANGIECTASIA, FRESNO VARIANT; Ataxia-telangiectasia, complementation group D; AT, COMPLEMENTATION GROUP C; Ataxia-telangiectasia; LOUIS-BAR SYNDROME. Identifiers: Orphanet 100, MedGen C0004135, MONDO:0008840, OMIM 208900.

Submission:

Labcorp Genetics (formerly Invitae), Labcorp
Classification: Uncertain significance for Ataxia-telangiectasia syndrome. Last evaluated: 2022-06-15. Review status: criteria provided, single submitter. Criteria: Invitae Variant Classification Sherloc (09022015). Collection method: clinical testing. Allele origin: germline.
Comment: In summary, the available evidence is currently insufficient to determine the role of this variant in disease. Therefore, it has been classified as a Variant of Uncertain Significance. Advanced modeling of protein sequence and biophysical properties (such as structural, functional, and spatial information, amino acid conservation, physicochemical variation, residue mobility, and thermodynamic stability) performed at Invitae indicates that this missense variant is not expected to disrupt ATM protein function. This variant has not been reported in the literature in individuals affected with ATM-related conditions. This variant is not present in population databases (gnomAD no frequency). This sequence change replaces valine, which is neutral and non-polar, with phenylalanine, which is neutral and non-polar, at codon 966 of the ATM protein (p.Val966Phe).